The following is an entry in ClinVar:

ClinVar aggregate classification (germline): Conflicting classifications of pathogenicity. Review status: criteria provided, conflicting classifications (1 of 4 stars). 5 submissions from 5 submitters: Uncertain significance (3); Likely benign (2). Last evaluated 2026-07-30.

Conditions:
Cardiovascular phenotype. Identifiers: MedGen CN230736.
Cardiomyopathy (CMYO). Also called: Cardiomyopathies. Identifiers: Orphanet 167848, MedGen C0878544, MONDO:0004994, HP:0001638. Inheritance: Various modes of inheritance.
Hypertrophic cardiomyopathy. Also called: HYPERTROPHIC MYOCARDIOPATHY. Identifiers: Orphanet 217569, MedGen C0007194, MeSH D002312, MONDO:0005045, HP:0001639.

Allele frequency attached by ClinVar (database versions not stated): gnomAD 0.00001; ExAC 0.00002; TOPMed 0.00001; gnomAD exomes 0.00002.
gnomAD v4.1: 38 of 1,606,724 alleles (0.0024%); highest among the groups gnomAD compares: Middle Eastern, 0.016%; no homozygotes.

Submissions (5):

Ambry Genetics
Classification: Likely benign for Cardiovascular phenotype. Last evaluated: 2026-07-30. Review status: criteria provided, single submitter. Criteria: Ambry Variant Classification Scheme 2023. Collection method: clinical testing. Allele origin: germline.

Labcorp Genetics (formerly Invitae), Labcorp
Classification: Uncertain significance for Hypertrophic cardiomyopathy. Last evaluated: 2025-09-10. Review status: criteria provided, single submitter. Criteria: Invitae Variant Classification Sherloc (09022015). Collection method: clinical testing. Allele origin: germline.
Comment: This sequence change replaces glycine, which is neutral and non-polar, with serine, which is neutral and polar, at codon 56 of the MYBPC3 protein (p.Gly56Ser). The frequency data for this variant in the population databases is considered unreliable, as metrics indicate poor data quality at this position in the gnomAD database. This missense change has been observed in individuals with dilated cardiomyopathy (PMID: 27532257). ClinVar contains an entry for this variant (Variation ID: 42558). An algorithm developed to predict the effect of missense changes on protein structure and function outputs the following: PolyPhen-2: "Benign". The serine amino acid residue is found in multiple mammalian species, which suggests that this missense change does not adversely affect protein function. In summary, the available evidence is currently insufficient to determine the role of this variant in disease. Therefore, it has been classified as a Variant of Uncertain Significance.

Color Diagnostics, LLC DBA Color Health
Classification: Uncertain significance for Cardiomyopathy. Last evaluated: 2024-09-03. Review status: criteria provided, single submitter. Criteria: ACMG Guidelines, 2015. Collection method: clinical testing. Allele origin: germline.
Comment: This missense variant replaces glycine with serine at codon 56 of the MYBPC3 protein. Computational prediction tools indicate that this variant has a neutral impact on protein structure and function. To our knowledge, functional studies have not been reported for this variant. This variant has been reported in an individual affected with dilated cardiomyopathy (PMID: 27532257). This variant has been identified in 5/236246 chromosomes in the general population by the Genome Aggregation Database (gnomAD). The available evidence is insufficient to determine the role of this variant in disease conclusively. Therefore, this variant is classified as a Variant of Uncertain Significance.

GeneDx
Classification: Uncertain significance. Last evaluated: 2023-08-23. Review status: criteria provided, single submitter. Criteria: GeneDx Variant Classification Process June 2021. Collection method: clinical testing. Allele origin: germline. Affected: yes.
Comment: Reported in at least one individual with DCM (Pugh et al., 2014); however, specific clinical information was not provided; In silico analysis supports that this missense variant does not alter protein structure/function; This variant is associated with the following publications: (PMID: 24503780, 28679633, 27532257)

Laboratory for Molecular Medicine, Mass General Brigham Personalized Medicine
Classification: Likely benign. Last evaluated: 2014-11-12. Review status: criteria provided, single submitter. Criteria: LMM Criteria. Collection method: clinical testing. Allele origin: germline. Observed: 2 variant alleles.
Comment: p.Gly56Ser in exon 2 of MYBPC3: This variant is not expected to have clinical si gnificance due to a lack of conservation across species, including mammals. Of n ote, 10 mammals have a serine (Ser) at this position despite high nearby amino a cid conservation. In addition, the change to serine (Ser) was predicted to be be nign using a computational tool clinically validated by our laboratory. This too l's benign prediction is estimated to be correct 89% of the time (Jordan 2011).

Literature cited by the submitters: PubMed 24503780 (cited by Ambry Genetics); PubMed 27532257 (cited by 3 submitters).

NM_000256.3(MYBPC3):c.166G>A (p.Gly56Ser)

Gene: MYBPC3 (myosin binding protein C3; minus strand). Cytogenetic location: 11p11.2.
Variant type: single nucleotide variant.
Coding change: c.166G>A on transcript NM_000256.3 (MANE Select); coding-DNA position 166, G replaced by A.
Protein change: p.Gly56Ser; replaces glycine 56 with serine.
Molecular consequence: missense variant.
Genome position (GRCh38, 1-based): chr11:47,351,365, C>T on the plus strand (G>A on the coding strand, the complement: MYBPC3 is on the minus strand). VCF-style: chr11-47351365-C-T. GRCh37 (hg19) VCF-style: chr11-47372916-C-T.
Other names: short protein forms G56S.
Identifiers: ClinVar variation 42558 (VCV000042558.21), dbSNP rs397515918, ClinGen allele CA010889.